The following is an entry in ClinVar:

ClinVar aggregate classification (germline): Benign/Likely benign. Review status: criteria provided, multiple submitters, no conflicts (2 of 4 stars). 5 submissions from 5 submitters: Benign (2); Likely benign (3). Last evaluated 2025-07-25.

Conditions:
Hereditary cancer-predisposing syndrome. Also called: Hereditary neoplastic syndrome; Neoplastic Syndromes, Hereditary; Tumor predisposition; Hereditary Cancer Syndrome. Identifiers: Orphanet 140162, MedGen C0027672, MeSH D009386, MONDO:0015356.
Tuberous sclerosis syndrome (TSC). Also called: Tuberous Sclerosis Complex; Tuberous sclerosis. Identifiers: Orphanet 805, MedGen C0041341, MONDO:0001734.
Tuberous sclerosis 2 (TSC2). Identifiers: Orphanet 805, MedGen C1860707, MONDO:0013199, OMIM 613254.

gnomAD v4.1: 3 of 1,614,204 alleles (0.00019%); highest among the groups gnomAD compares: Non-Finnish European, 0.00025%; no homozygotes.

Submissions (5):

Color Diagnostics, LLC DBA Color Health
Classification: Likely benign for Tuberous sclerosis syndrome. Last evaluated: 2025-07-25. Review status: criteria provided, single submitter. Criteria: ACMG Guidelines, 2015. Collection method: clinical testing. Allele origin: germline.

Myriad Genetics, Inc.
Classification: Benign for Tuberous sclerosis 2. Last evaluated: 2025-05-13. Review status: criteria provided, single submitter. Criteria: Myriad Autosomal Dominant, Autosomal Recessive and X-Linked Classification Criteria (2023). Collection method: clinical testing. Allele origin: unknown.
Comment: This variant is considered benign. This variant is a silent/synonymous amino acid change and it is not expected to impact splicing.

Labcorp Genetics (formerly Invitae), Labcorp
Classification: Likely benign for Tuberous sclerosis 2. Last evaluated: 2024-08-19. Review status: criteria provided, single submitter. Criteria: Invitae Variant Classification Sherloc (09022015). Collection method: clinical testing. Allele origin: germline.

Genome-Nilou Lab
Classification: Benign for Tuberous sclerosis 2. Last evaluated: 2021-11-07. Review status: criteria provided, single submitter. Criteria: ACMG Guidelines, 2015. Collection method: clinical testing. Allele origin: germline. Affected: no.

Ambry Genetics
Classification: Likely benign for Hereditary cancer-predisposing syndrome. Last evaluated: 2017-04-12. Review status: criteria provided, single submitter. Criteria: Ambry Variant Classification Scheme 2023. Collection method: clinical testing. Allele origin: germline.

NM_000548.5(TSC2):c.1182G>A (p.Leu394=)

Gene: TSC2 (TSC complex subunit 2; plus strand). Cytogenetic location: 16p13.3.
Variant type: single nucleotide variant.
Coding change: c.1182G>A on transcript NM_000548.5 (MANE Select); coding-DNA position 1182, G replaced by A.
Protein change: p.Leu394=; no amino-acid change (leucine 394 retained).
Molecular consequence: synonymous variant.
Genome position (GRCh38, 1-based): chr16:2,061,933, G>A. VCF-style: chr16-2061933-G-A. GRCh37 (hg19) VCF-style: chr16-2111934-G-A.
Other names: c.1182G>A, p.Leu394= (NM_001363528.2, NM_001370404.1, NM_001077183.3 and 3 more transcripts); c.1071G>A, p.Leu357= (NM_001318827.2); c.1035G>A, p.Leu345= (NM_001318829.2); c.582G>A, p.Leu194= (NM_001318831.2); c.1215G>A, p.Leu405= (NM_001318832.2).
Identifiers: ClinVar variation 467847 (VCV000467847.20), dbSNP rs779951754, ClinGen allele CA492961868.